The following is an entry in ClinVar:

ClinVar aggregate classification (germline): Uncertain significance. Review status: criteria provided, multiple submitters, no conflicts (2 of 4 stars). 3 submissions from 3 submitters: Uncertain significance (3). Last evaluated 2024-08-13.

Conditions:
Hereditary nonpolyposis colorectal neoplasms. Identifiers: MedGen C0009405, MeSH D003123.
Hereditary cancer-predisposing syndrome. Also called: Hereditary neoplastic syndrome; Neoplastic Syndromes, Hereditary; Tumor predisposition; Hereditary Cancer Syndrome. Identifiers: Orphanet 140162, MedGen C0027672, MeSH D009386, MONDO:0015356.

Submissions (3):

Labcorp Genetics (formerly Invitae), Labcorp
Classification: Uncertain significance for Hereditary nonpolyposis colorectal neoplasms. Last evaluated: 2024-08-13. Review status: criteria provided, single submitter. Criteria: Invitae Variant Classification Sherloc (09022015). Collection method: clinical testing. Allele origin: germline.
Comment: This sequence change replaces glutamic acid, which is acidic and polar, with glutamine, which is neutral and polar, at codon 348 of the PMS2 protein (p.Glu348Gln). This variant is not present in population databases (gnomAD no frequency). This variant has not been reported in the literature in individuals affected with PMS2-related conditions. ClinVar contains an entry for this variant (Variation ID: 941656). Advanced modeling of protein sequence and biophysical properties (such as structural, functional, and spatial information, amino acid conservation, physicochemical variation, residue mobility, and thermodynamic stability) has been performed at Invitae for this missense variant, however the output from this modeling did not meet the statistical confidence thresholds required to predict the impact of this variant on PMS2 protein function. In summary, the available evidence is currently insufficient to determine the role of this variant in disease. Therefore, it has been classified as a Variant of Uncertain Significance.

Institute for Biomarker Research, Medical Diagnostic Laboratories, L.L.C.
Classification: Uncertain significance for Hereditary cancer-predisposing syndrome. Last evaluated: 2023-03-09. Review status: criteria provided, single submitter. Criteria: ACMG Guidelines, 2015. Collection method: clinical testing. Allele origin: germline.

Ambry Genetics
Classification: Uncertain significance for Hereditary cancer-predisposing syndrome. Last evaluated: 2023-01-03. Review status: criteria provided, single submitter. Criteria: Ambry Variant Classification Scheme 2023. Collection method: clinical testing. Allele origin: germline.
Comment: The p.E348Q variant (also known as c.1042G>C), located in coding exon 10 of the PMS2 gene, results from a G to C substitution at nucleotide position 1042. The glutamic acid at codon 348 is replaced by glutamine, an amino acid with highly similar properties. In one study, this variant was detected in 0/165 colorectal cancer and/or polyposis patients and was identified in 1/2512 control individuals from a healthy population database (Rosenthal EA et al. Hum Genet, 2018 Oct;137:795-806). This amino acid position is highly conserved in available vertebrate species. In addition, the in silico prediction for this alteration is inconclusive. Since supporting evidence is limited at this time, the clinical significance of this alteration remains unclear.

Literature cited by the submitters: PubMed 30267214 (cited by Ambry Genetics).

NM_000535.7(PMS2):c.1042G>C (p.Glu348Gln)

Gene: PMS2 (PMS1 homolog 2, mismatch repair system component; minus strand). Cytogenetic location: 7p22.1.
Variant type: single nucleotide variant.
Coding change: c.1042G>C on transcript NM_000535.7 (MANE Select); coding-DNA position 1042, G replaced by C.
Protein change: p.Glu348Gln; replaces glutamic acid 348 with glutamine.
Molecular consequence: missense variant. On other transcripts: non-coding transcript variant (1), intron variant (2).
Genome position (GRCh38, 1-based): chr7:5,989,902, C>G on the plus strand (G>C on the coding strand, the complement: PMS2 is on the minus strand). VCF-style: chr7-5989902-C-G. GRCh37 (hg19) VCF-style: chr7-6029533-C-G.
Other names: c.637G>C, p.Glu213Gln (NM_001322003.2, NM_001322004.2, NM_001322005.2 and 1 more transcripts); c.724G>C, p.Glu242Gln (NM_001322007.2, NM_001322008.2); c.109G>C, p.Glu37Gln (NM_001322011.2, NM_001322012.2); c.469G>C, p.Glu157Gln (NM_001322013.2); c.1042G>C, p.Glu348Gln (NM_001322014.2); c.733G>C, p.Glu245Gln (NM_001322015.2); c.583+2071G>C (NM_001322010.2); c.988+2071G>C (NM_001322006.2); short protein forms E157Q, E242Q, E37Q, E348Q, E213Q, E245Q.
Identifiers: ClinVar variation 941656 (VCV000941656.12), dbSNP rs1783538909, ClinGen allele CA366742927.